The following is an entry in ClinVar:

ClinVar aggregate classification (germline): Uncertain significance (1 of 4 stars; one submission).

Submission:

Dasa
Classification: Uncertain significance. Last evaluated: 2025-01-22. Review status: criteria provided, single submitter. Criteria: DASA Assertion Criteria. Collection method: clinical testing. Allele origin: germline.
Comment: NM_001320893.1(DNMT3A):c.102A>C (p.Gln34His) is a missense variant that results in the substitution of glutamine with histidine. This variant is rare in population databases. The currently available literature and clinical evidence are not sufficient to establish a definitive association between this variant and the reported condition. Therefore, this variant is classified as a variant of uncertain significance.

NM_022552.5(DNMT3A):c.640-3741A>C

Gene: DNMT3A (DNA methyltransferase 3 alpha; minus strand). Cytogenetic location: 2p23.3.
Variant type: single nucleotide variant.
Coding change: c.640-3741A>C on transcript NM_022552.5 (MANE Select); 3741 bases into the intron before coding-DNA position 640, A replaced by C.
Molecular consequence: intron variant. On other transcripts: missense variant (1).
Genome position (GRCh38, 1-based): chr2:25,251,993, T>G on the plus strand (A>C on the coding strand, the complement: DNMT3A is on the minus strand). VCF-style: chr2-25251993-T-G. GRCh37 (hg19) VCF-style: chr2-25474862-T-G.
Other names: c.102A>C, p.Gln34His (NM_001320893.1); c.640-3741A>C (NM_175629.2); c.4+201A>C (NM_153759.3); c.-31+201A>C (NM_001375819.1); short protein forms Q34H.
Identifiers: ClinVar variation 4885287 (VCV004885287.2).